The following is an entry in ClinVar:

ClinVar aggregate classification (germline): Uncertain significance (1 of 4 stars; one submission).

gnomAD v4.1: 1 of 1,594,202 alleles (0.000063%); highest among the groups gnomAD compares: Non-Finnish European, 0.000085%; no homozygotes.

Submission:

Ambry Genetics
Classification: Uncertain significance. Last evaluated: 2023-11-19. Review status: criteria provided, single submitter. Criteria: Ambry Variant Classification Scheme 2023. Collection method: clinical testing. Allele origin: germline.
Comment: The p.D1026N variant (also known as c.3076G>A), located in coding exon 25 of the BUB1 gene, results from a G to A substitution at nucleotide position 3076. The aspartic acid at codon 1026 is replaced by asparagine, an amino acid with highly similar properties. This amino acid position is conserved. In addition, this alteration is predicted to be tolerated by in silico analysis. Since supporting evidence is limited at this time, the clinical significance of this alteration remains unclear.

NM_004336.5(BUB1):c.3076G>A (p.Asp1026Asn)

Gene: BUB1 (BUB1 mitotic checkpoint serine/threonine kinase; minus strand). Cytogenetic location: 2q13.
Variant type: single nucleotide variant.
Coding change: c.3076G>A on transcript NM_004336.5 (MANE Select); coding-DNA position 3076, G replaced by A.
Protein change: p.Asp1026Asn; replaces aspartic acid 1026 with asparagine.
Molecular consequence: missense variant.
Genome position (GRCh38, 1-based): chr2:110,638,146, C>T on the plus strand (G>A on the coding strand, the complement: BUB1 is on the minus strand). VCF-style: chr2-110638146-C-T. GRCh37 (hg19) VCF-style: chr2-111395723-C-T.
Other names: c.3016G>A, p.Asp1006Asn (NM_001278616.2); c.2905G>A, p.Asp969Asn (NM_001278617.2); short protein forms D1006N, D1026N, D969N.
Identifiers: ClinVar variation 3224082 (VCV003224082.1), dbSNP rs2467963657, ClinGen allele CA348088616.